The following is an entry in ClinVar:

ClinVar aggregate classification (germline): Uncertain significance (1 of 4 stars; one submission).

Allele frequency attached by ClinVar (database versions not stated): gnomAD exomes below 0.00001; TOPMed 0.00001.
gnomAD v4.1: 1 of 1,614,124 alleles (0.000062%); highest among the groups gnomAD compares: East Asian, 0.0022%; no homozygotes.

Submission:

Labcorp Genetics (formerly Invitae), Labcorp
Classification: Uncertain significance. Last evaluated: 2023-10-04. Review status: criteria provided, single submitter. Criteria: Invitae Variant Classification Sherloc (09022015). Collection method: clinical testing. Allele origin: germline.
Comment: This sequence change replaces serine, which is neutral and polar, with phenylalanine, which is neutral and non-polar, at codon 585 of the RFX6 protein (p.Ser585Phe). This variant is present in population databases (no rsID available, gnomAD 0.006%). This variant has not been reported in the literature in individuals affected with RFX6-related conditions. Advanced modeling of protein sequence and biophysical properties (such as structural, functional, and spatial information, amino acid conservation, physicochemical variation, residue mobility, and thermodynamic stability) performed at Invitae indicates that this missense variant is not expected to disrupt RFX6 protein function. In summary, the available evidence is currently insufficient to determine the role of this variant in disease. Therefore, it has been classified as a Variant of Uncertain Significance.

NM_173560.4(RFX6):c.1754C>T (p.Ser585Phe)

Genes: RFX6 (regulatory factor X6; plus strand), LOC126859771 (BRD4-independent group 4 enhancer GRCh37_chr6:117246147-117247346; plus strand). Cytogenetic location: 6q22.1.
Variant type: single nucleotide variant.
Coding change: c.1754C>T on transcript NM_173560.4 (MANE Select); coding-DNA position 1754, C replaced by T.
Protein change: p.Ser585Phe; replaces serine 585 with phenylalanine.
Molecular consequence: missense variant.
Genome position (GRCh38, 1-based): chr6:116,925,528, C>T. VCF-style: chr6-116925528-C-T. GRCh37 (hg19) VCF-style: chr6-117246691-C-T.
Other names: short protein forms S585F.
Identifiers: ClinVar variation 2875771 (VCV002875771.3), dbSNP rs1390371738, ClinGen allele CA365434709.